The following is an entry in ClinVar:

NM_000400.4(ERCC2):c.416C>T (p.Ala139Val)

Gene: ERCC2 (ERCC excision repair 2, TFIIH core complex helicase subunit; minus strand). Cytogenetic location: 19q13.32.
Variant type: single nucleotide variant.
Coding change: c.416C>T on transcript NM_000400.4 (MANE Select); coding-DNA position 416, C replaced by T.
Protein change: p.Ala139Val; replaces alanine 139 with valine.
Molecular consequence: missense variant.
Genome position (GRCh38, 1-based): chr19:45,365,103, G>A on the plus strand (C>T on the coding strand, the complement: ERCC2 is on the minus strand). VCF-style: chr19-45365103-G-A. GRCh37 (hg19) VCF-style: chr19-45868361-G-A.
Other names: c.344C>T, p.Ala115Val (NM_001130867.2); short protein forms A139V, A115V.
Identifiers: ClinVar variation 1738408 (VCV001738408.2), dbSNP rs1288662025, ClinGen allele CA406376042.

ClinVar aggregate classification (germline): Uncertain significance (1 of 4 stars; one submission).

Conditions:
Inborn genetic diseases. Identifiers: MedGen C0950123, MeSH D030342.

Allele frequency attached by ClinVar (database versions not stated): gnomAD exomes below 0.00001.

Submission:

Ambry Genetics
Classification: Uncertain significance for Inborn genetic diseases. Last evaluated: 2021-10-01. Review status: criteria provided, single submitter. Criteria: Ambry Variant Classification Scheme 2023. Collection method: clinical testing. Allele origin: germline.
Comment: The p.A139V variant (also known as c.416C>T), located in coding exon 6 of the ERCC2 gene, results from a C to T substitution at nucleotide position 416. The alanine at codon 139 is replaced by valine, an amino acid with similar properties. This amino acid position is conserved. In addition, the in silico prediction for this alteration is inconclusive. Since supporting evidence is limited at this time, the clinical significance of this alteration remains unclear.